The following is an entry in ClinVar:

NM_001918.5(DBT):c.673A>C (p.Ile225Leu)

Gene: DBT (dihydrolipoamide branched chain transacylase E2; minus strand). Cytogenetic location: 1p21.2.
Variant type: single nucleotide variant.
Coding change: c.673A>C on transcript NM_001918.5 (MANE Select); coding-DNA position 673, A replaced by C.
Protein change: p.Ile225Leu; replaces isoleucine 225 with leucine.
Molecular consequence: missense variant.
Genome position (GRCh38, 1-based): chr1:100,216,082, T>G on the plus strand (A>C on the coding strand, the complement: DBT is on the minus strand). VCF-style: chr1-100216082-T-G. GRCh37 (hg19) VCF-style: chr1-100681638-T-G.
Other names: short protein forms I225L.
Identifiers: ClinVar variation 663483 (VCV000663483.5), dbSNP rs1472099889, ClinGen allele CA341338450.

ClinVar aggregate classification (germline): Uncertain significance. Review status: criteria provided, multiple submitters, no conflicts (2 of 4 stars). 3 submissions from 3 submitters: Uncertain significance (3). Last evaluated 2023-04-11.

Conditions:
Maple syrup urine disease (MSUD). Identifiers: Orphanet 511, MedGen C0024776, MeSH D008375, MONDO:0009563. Disease mechanism: loss of function.

Allele frequency attached by ClinVar (database versions not stated): gnomAD 0.00001; gnomAD exomes 0.00001 and 0.00002; TOPMed 0.00001.
gnomAD v4.1: 9 of 1,613,754 alleles (0.00056%); highest among the groups gnomAD compares: Admixed American, 0.012%; no homozygotes.

Submissions (3):

Genome-Nilou Lab
Classification: Uncertain significance for Maple syrup urine disease type 1A. Last evaluated: 2023-04-11. Review status: criteria provided, single submitter. Criteria: ACMG Guidelines, 2015. Collection method: clinical testing. Allele origin: germline. Affected: no.

Labcorp Genetics (formerly Invitae), Labcorp
Classification: Uncertain significance for Maple syrup urine disease. Last evaluated: 2022-07-29. Review status: criteria provided, single submitter. Criteria: Invitae Variant Classification Sherloc (09022015). Collection method: clinical testing. Allele origin: germline.
Comment: This sequence change replaces isoleucine, which is neutral and non-polar, with leucine, which is neutral and non-polar, at codon 225 of the DBT protein (p.Ile225Leu). This variant is present in population databases (no rsID available, gnomAD 0.02%). This variant has not been reported in the literature in individuals affected with DBT-related conditions. ClinVar contains an entry for this variant (Variation ID: 663483). Advanced modeling of protein sequence and biophysical properties (such as structural, functional, and spatial information, amino acid conservation, physicochemical variation, residue mobility, and thermodynamic stability) performed at Invitae indicates that this missense variant is not expected to disrupt DBT protein function. In summary, the available evidence is currently insufficient to determine the role of this variant in disease. Therefore, it has been classified as a Variant of Uncertain Significance.

Fulgent Genetics
Classification: Uncertain significance for Maple syrup urine disease type 1A. Last evaluated: 2022-01-05. Review status: criteria provided, single submitter. Criteria: ACMG Guidelines, 2015. Collection method: clinical testing. Allele origin: unknown.